The following is an entry in ClinVar:

ClinVar aggregate classification (germline): Benign/Likely benign. Review status: criteria provided, multiple submitters, no conflicts (2 of 4 stars). 2 submissions from 2 submitters: Benign (1); Likely benign (1). Last evaluated 2024-02-23.

Conditions:
Classic or attenuated familial adenomatous polyposis. Identifiers: MedGen CN372698, MONDO:0021057.
Familial adenomatous polyposis 1 (FAP1). Also called: POLYPOSIS, ADENOMATOUS INTESTINAL; FAMILIAL ADENOMATOUS POLYPOSIS 1, ATTENUATED. Identifiers: MedGen C2713442, MONDO:0021056, OMIM 175100. Disease mechanism: loss of function.

Submissions (2):

Myriad Genetics, Inc.
Classification: Benign for Familial adenomatous polyposis 1. Last evaluated: 2024-02-23. Review status: criteria provided, single submitter. Criteria: Myriad Autosomal Dominant, Autosomal Recessive and X-Linked Classification Criteria (2023). Collection method: clinical testing. Allele origin: unknown.
Comment: This variant is considered benign. This variant is a silent/synonymous amino acid change and it is not expected to impact splicing.

All of Us Research Program, National Institutes of Health
Classification: Likely benign for Classic or attenuated familial adenomatous polyposis. Last evaluated: 2023-04-28. Review status: criteria provided, single submitter. Criteria: ACMG Guidelines, 2015. Collection method: clinical testing. Allele origin: germline. Inheritance: Autosomal dominant inheritance. Observed: 1 variant allele, 1 heterozygote.
Comment: This study involves interpretation of variants in research participants for the purpose of population health screening. Participant phenotype was not available at the time of variant classification. Additional details can be found in publication PMID: 35346344, PMCID: PMC8962531

NM_000038.6(APC):c.480T>G (p.Ala160=)

Gene: APC (APC regulator of Wnt signaling pathway; plus strand). Cytogenetic location: 5q22.2.
Variant type: single nucleotide variant.
Coding change: c.480T>G on transcript NM_000038.6 (MANE Select); coding-DNA position 480, T replaced by G.
Protein change: p.Ala160=; no amino-acid change (alanine 160 retained).
Molecular consequence: synonymous variant. On other transcripts: 5 prime UTR variant (4), non-coding transcript variant (2).
Genome position (GRCh38, 1-based): chr5:112,775,686, T>G. VCF-style: chr5-112775686-T-G. GRCh37 (hg19) VCF-style: chr5-112111383-T-G.
Other names: c.480T>G, p.Ala160= (NM_001127510.3, NM_001354895.2, NM_001354896.2 and 16 more transcripts); c.510T>G, p.Ala170= (NM_001127511.3, NM_001354897.2, NM_001354902.2 and 1 more transcripts); c.405T>G, p.Ala135= (NM_001354898.2, NM_001354904.2, NM_001407451.1); c.303T>G, p.Ala101= (NM_001354900.2, NM_001354901.2, NM_001354905.2 and 1 more transcripts); c.-556T>G (NM_001354906.2, NM_001407470.1, NM_001407471.1 and 1 more transcripts).
Identifiers: ClinVar variation 3075518 (VCV003075518.2), dbSNP rs758296324, ClinGen allele CA445753053.